The following is an entry in ClinVar:

ClinVar aggregate classification (germline): Uncertain significance. Review status: criteria provided, multiple submitters, no conflicts (2 of 4 stars). 2 submissions from 2 submitters: Uncertain significance (2). Last evaluated 2025-11-17.

Conditions:
Autosomal recessive ataxia, Beauce type. Also called: ATAXIA, RECESSIVE, OF BEAUCE; SYNE1-Related Autosomal Recessive Cerebellar Ataxia; Spinocerebellar ataxia, autosomal recessive 8; SYNE1 Deficiency. Identifiers: Orphanet 88644, MedGen C1853116, MONDO:0012549, OMIM 610743.
Emery-Dreifuss muscular dystrophy 4, autosomal dominant (EDMD4). Also called: EMERY-DREIFUSS MUSCULAR DYSTROPHY 4 WITH VARIABLE FEATURES. Identifiers: Orphanet 261, MedGen C2751807, MONDO:0013071, OMIM 612998.

gnomAD v4.1: 7 of 1,614,070 alleles (0.00043%); highest among the groups gnomAD compares: African/African-American, 0.0013%; no homozygotes.

Submissions (2):

Labcorp Genetics (formerly Invitae), Labcorp
Classification: Uncertain significance for Emery-Dreifuss muscular dystrophy 4, autosomal dominant; Autosomal recessive ataxia, Beauce type. Last evaluated: 2025-11-17. Review status: criteria provided, single submitter. Criteria: Invitae Variant Classification Sherloc (09022015). Collection method: clinical testing. Allele origin: germline.
Comment: This sequence change replaces asparagine, which is neutral and polar, with serine, which is neutral and polar, at codon 4347 of the SYNE1 protein (p.Asn4347Ser). This variant is present in population databases (rs757135364, gnomAD 0.002%). This missense change has been observed in individual(s) with cerebellar ataxia (PMID: 29482223). This variant is also known as c.13253A>G (p.N4418S). An algorithm developed to predict the effect of missense changes on protein structure and function (PolyPhen-2) suggests that this variant is likely to be tolerated. In summary, the available evidence is currently insufficient to determine the role of this variant in disease. Therefore, it has been classified as a Variant of Uncertain Significance.

Blueprint Genetics
Classification: Uncertain significance. Last evaluated: 2024-09-16. Review status: criteria provided, single submitter. Criteria: ACMG Guidelines, 2015. Collection method: clinical testing. Allele origin: germline.

Literature cited by the submitters: PubMed 29482223 (cited by Labcorp Genetics (formerly Invitae), Labcorp).

NM_182961.4(SYNE1):c.13253A>G (p.Asn4418Ser)

Gene: SYNE1 (spectrin repeat containing nuclear envelope protein 1; minus strand). Cytogenetic location: 6q25.2.
Variant type: single nucleotide variant.
Coding change: c.13253A>G on transcript NM_182961.4 (MANE Select); coding-DNA position 13253, A replaced by G.
Protein change: p.Asn4418Ser; replaces asparagine 4418 with serine.
Molecular consequence: missense variant.
Genome position (GRCh38, 1-based): chr6:152,331,432, T>C on the plus strand (A>G on the coding strand, the complement: SYNE1 is on the minus strand). VCF-style: chr6-152331432-T-C. GRCh37 (hg19) VCF-style: chr6-152652567-T-C.
Other names: c.13040A>G, p.Asn4347Ser (NM_033071.5); short protein forms N4347S, N4418S.
Identifiers: ClinVar variation 4782754 (VCV004782754.2).